The following is an entry in ClinVar:

NM_001792.5(CDH2):c.2292T>C (p.Asp764=)

Gene: CDH2 (cadherin 2; minus strand). Cytogenetic location: 18q12.1.
Variant type: single nucleotide variant.
Coding change: c.2292T>C on transcript NM_001792.5 (MANE Select); coding-DNA position 2292, T replaced by C.
Protein change: p.Asp764=; no amino-acid change (aspartic acid 764 retained).
Molecular consequence: synonymous variant.
Genome position (GRCh38, 1-based): chr18:27,983,001, A>G on the plus strand (T>C on the coding strand, the complement: CDH2 is on the minus strand). VCF-style: chr18-27983001-A-G. GRCh37 (hg19) VCF-style: chr18-25562965-A-G.
Other names: c.2199T>C, p.Asp733= (NM_001308176.2); c.2292T>C (NM_001792.4).
Identifiers: ClinVar variation 3221789 (VCV003221789.2), dbSNP rs2510790578, ClinGen allele CA503381634.
Genomic context (GRCh38, chr18:27,983,001, plus strand): 5'-CACCTGGTCTTCTTCTCCTCCACCTTCTTCATCATATTTTAAAATATTATCTCTTACATC[A>G]TCTTCTGGATCAATTAAAAGTTGTTTGGCCTGGCGTTCTTTATCCCGGCGTTTCATCCAT-3'
Protein context (NP_001783.2, residues 754-774): QAKQLLIDPE[Asp764=]DVRDNILKYD

ClinVar aggregate classification (germline): Likely benign. Review status: criteria provided, multiple submitters, no conflicts (2 of 4 stars). 2 submissions from 2 submitters: Likely benign (2). Last evaluated 2026-04-14.

Conditions:
Inborn genetic diseases. Identifiers: MedGen C0950123, MeSH D030342.
CDH2-related disorder. Also called: CDH2-related condition.

Submissions (2):

PreventionGenetics, part of Exact Sciences
Classification: Likely benign for CDH2-related condition. Last evaluated: 2026-04-14. Review status: criteria provided, single submitter. Criteria: ACMG Guidelines, 2015. Collection method: clinical testing. Allele origin: germline.
Comment: This variant is classified as likely benign based on ACMG/AMP sequence variant interpretation guidelines (Richards et al. 2015 PMID: 25741868, with internal and published modifications).

Ambry Genetics
Classification: Likely benign for Inborn genetic diseases. Last evaluated: 2024-02-25. Review status: criteria provided, single submitter. Criteria: Ambry Variant Classification Scheme 2023. Collection method: clinical testing. Allele origin: germline.